The following is an entry in ClinVar:

ClinVar aggregate classification (germline): Pathogenic. Review status: reviewed by expert panel (3 of 4 stars). 4 submissions from 4 submitters: Pathogenic (1). 3 of the submissions do not count toward it. Last evaluated 2024-11-04.

Conditions:
Hereditary thrombocytopenia and hematologic cancer predisposition syndrome. Identifiers: Orphanet 71290, MedGen CN281654, MONDO:0011071.
Acute myeloid leukemia (AML). Also called: Acute myeloid leukemia, adult; AML adult; Acute non-lymphocytic leukemia; Acute granulocytic leukemia; Leukemia, acute myeloid, somatic; Leukemia, acute myelogenous, somatic. Identifiers: Orphanet 519, MedGen C0023467, MeSH D015470, MONDO:0018874, OMIM 601626, HP:0004808. Disease mechanism: Constitutively activated FLT3.
Hereditary thrombocytopenia and hematological cancer predisposition syndrome associated with RUNX1. Also called: Familial Platelet Disorder with Propensity to Acute Myelogenous Leukemia; Familial thrombocytopenia with propensity to acute myelogenous leukemia; PLATELET DISORDER, ASPIRIN-LIKE; RUNX1 Familial Platelet Disorder with Associated Myeloid Malignancies. Identifiers: Orphanet 71290, MedGen C1832388, MeSH C563324, MONDO:0100083, OMIM 601399.
RUNX1-related disorder. Also called: RUNX1-related condition.

Submissions (4):

ClinGen Myeloid Malignancy Variant Curation Expert Panel
Classification: Pathogenic for Hereditary thrombocytopenia and hematologic cancer predisposition syndrome. Last evaluated: 2024-11-04. Review status: reviewed by expert panel. Criteria: ClinGen MyeloMalig ACMG Specifications v2. Collection method: curation. Allele origin: germline. Inheritance: Autosomal dominant inheritance.
Comment: NM_001754.5(RUNX1):c.422C>A (p.Ser141Ter) is a nonsense variant which is predicted to undergo nonsense mediated decay in a gene in which loss-of-function is an established mechanism (nonsense c.98-c.916 as per VCEP specifications) (PVS1, PM5_supporting). This variant is completely absent from all population databases with at least 20x coverage for RUNX1 (PM2_Supporting). In summary, this variant meets criteria to be classified as pathogenic. ACMG/AMP criteria applied, as specified by the Myeloid Malignancy Variant Curation Expert Panel for RUNX1: PVS1, PM5_supporting, PM2_supporting.

Labcorp Genetics (formerly Invitae), Labcorp
Classification: Pathogenic for Hereditary thrombocytopenia and hematological cancer predisposition syndrome associated with RUNX1. Last evaluated: 2024-10-15. Review status: criteria provided, single submitter. Criteria: Invitae Variant Classification Sherloc (09022015). Collection method: clinical testing. Allele origin: germline. Not counted in ClinVar's aggregate classification.
Comment: This sequence change creates a premature translational stop signal (p.Ser141*) in the RUNX1 gene. It is expected to result in an absent or disrupted protein product. Loss-of-function variants in RUNX1 are known to be pathogenic (PMID: 18723428, 24100448). This variant is not present in population databases (gnomAD no frequency). This variant has not been reported in the literature in individuals affected with RUNX1-related conditions. ClinVar contains an entry for this variant (Variation ID: 2112037). For these reasons, this variant has been classified as Pathogenic.

Baylor Genetics
Classification: Likely pathogenic for Acute myeloid leukemia. Last evaluated: 2022-08-11. Review status: criteria provided, single submitter. Criteria: ACMG Guidelines, 2015. Collection method: clinical testing. Allele origin: unknown. Not counted in ClinVar's aggregate classification.

PreventionGenetics, part of Exact Sciences
Classification: Likely pathogenic for RUNX1-related condition. Last evaluated: 2024-07-30. Review status: no assertion criteria provided. Collection method: clinical testing. Allele origin: germline. Not counted in ClinVar's aggregate classification.
Comment: The RUNX1 c.422C>A variant is predicted to result in premature protein termination (p.Ser141*). This variant has been reported along with 12q deletion in an individual with myelodysplastic syndrome (Table 1 and Table S2: patient #9, Illman et al. 2023. PubMed ID: 36579442). This variant has not been reported in a large population database, indicating this variant is rare. Nonsense variants in RUNX1 are expected to be pathogenic. This variant is interpreted as likely pathogenic.

Literature cited by the submitters: PubMed 18723428 (cited by Labcorp Genetics (formerly Invitae), Labcorp); PubMed 24100448 (cited by Labcorp Genetics (formerly Invitae), Labcorp).

NM_001754.5(RUNX1):c.422C>A (p.Ser141Ter)

Genes: RUNX1 (RUNX family transcription factor 1; minus strand), RUNX1-AS1 (RUNX1 antisense RNA 1; plus strand). Cytogenetic location: 21q22.12.
Variant type: single nucleotide variant.
Coding change: c.422C>A on transcript NM_001754.5 (MANE Select); coding-DNA position 422, C replaced by A.
Protein change: p.Ser141Ter; replaces serine 141 with a stop codon.
Molecular consequence: nonsense.
Genome position (GRCh38, 1-based): chr21:34,880,643, G>T on the plus strand (C>A on the coding strand, the complement: RUNX1 is on the minus strand). VCF-style: chr21-34880643-G-T. GRCh37 (hg19) VCF-style: chr21-36252940-G-T.
Other names: NM_001754.5(RUNX1):c.422C>A; p.Ser141Ter; c.341C>A, p.Ser114Ter (NM_001001890.3, NM_001122607.2); short protein forms S114*, S141*.
Identifiers: ClinVar variation 2112037 (VCV002112037.7), dbSNP rs1601516118, ClinGen allele CA410202643.